The following is an entry in ClinVar:

ClinVar aggregate classification (germline): Uncertain significance (1 of 4 stars; one submission).

Conditions:
Mucopolysaccharidosis, MPS-III-B (MPS3B). Also called: MPS IIIB (Sanfilippo Syndrome Type B); MUCOPOLYSACCHARIDOSIS, TYPE IIIB; Mucopolysaccharidosis type IIIB (Sanfilippo B); N-ACETYL-ALPHA-D-GLUCOSAMINIDASE DEFICIENCY; NAGLU DEFICIENCY; SANFILIPPO SYNDROME B. Identifiers: Orphanet 79270, MedGen C0086648, MONDO:0009656, OMIM 252920.
Charcot-Marie-Tooth disease axonal type 2V. Also called: CHARCOT-MARIE-TOOTH NEUROPATHY, TYPE 2V; CHARCOT-MARIE-TOOTH DISEASE, AXONAL, AUTOSOMAL DOMINANT, TYPE 2V. Identifiers: Orphanet 447964, MedGen C5569050, MONDO:0014665, OMIM 616491.

Submission:

Labcorp Genetics (formerly Invitae), Labcorp
Classification: Uncertain significance for Charcot-Marie-Tooth disease, axonal type 2V; Mucopolysaccharidosis, MPS-III-B. Last evaluated: 2019-07-18. Review status: criteria provided, single submitter. Criteria: Invitae Variant Classification Sherloc (09022015). Collection method: clinical testing. Allele origin: germline.
Comment: This variant, c.82_114del, results in the deletion of 11 amino acid(s) of the NAGLU protein (p.Glu28_Arg38del), but otherwise preserves the integrity of the reading frame. The frequency data for this variant in the population databases is considered unreliable, as metrics indicate insufficient coverage at this position in the ExAC database. Experimental studies and prediction algorithms are not available or were not evaluated for this variant, and the functional significance of the affected amino acid(s) is currently unknown. In summary, the available evidence is currently insufficient to determine the role of this variant in disease. Therefore, it has been classified as a Variant of Uncertain Significance.

NM_000263.4(NAGLU):c.82_114del (p.Glu28_Arg38del)

Genes: NAGLU (N-acetyl-alpha-glucosaminidase; plus strand), LOC130060903 (ATAC-STARR-seq lymphoblastoid silent region 8533; plus strand). Cytogenetic location: 17q21.2.
Variant type: Deletion.
Coding change: c.82_114del on transcript NM_000263.4 (MANE Select); coding-DNA positions 82 to 114, 33 bases deleted.
Protein change: p.Glu28_Arg38del.
Molecular consequence: inframe deletion.
Genome position (GRCh38, 1-based): chr17:42,536,354-42,536,386, 33 bases deleted; deleting any 33 consecutive bases within chr17:42,536,347-42,536,386 gives the same sequence; the c. name uses the placement nearest the transcript's 3' end. GRCh37 (hg19): chr17:40,688,372-40,688,404.
Identifiers: ClinVar variation 962915 (VCV000962915.1), dbSNP rs2092905949, ClinGen allele CA1139665539.